The following is an entry in ClinVar:

NM_000245.4(MET):c.2102+3G>T

Gene: MET (MET proto-oncogene, receptor tyrosine kinase; plus strand). Cytogenetic location: 7q31.2.
Variant type: single nucleotide variant.
Coding change: c.2102+3G>T on transcript NM_000245.4 (MANE Select); 3 bases into the intron after coding-DNA position 2102, G replaced by T.
Molecular consequence: intron variant.
Genome position (GRCh38, 1-based): chr7:116,757,777, G>T. VCF-style: chr7-116757777-G-T. GRCh37 (hg19) VCF-style: chr7-116397831-G-T.
Other names: c.2102+3G>T (NM_001127500.3, NM_001324401.3); c.812+3G>T (NM_001324402.2).
Identifiers: ClinVar variation 4727633 (VCV004727633.1).

ClinVar aggregate classification (germline): Uncertain significance (1 of 4 stars; one submission).

Conditions:
Renal cell carcinoma. Identifiers: Orphanet 217071, MedGen C0007134, MeSH D002292, MONDO:0005086, HP:0005584.

Submission:

Labcorp Genetics (formerly Invitae), Labcorp
Classification: Uncertain significance for Renal cell carcinoma. Last evaluated: 2025-09-22. Review status: criteria provided, single submitter. Criteria: Invitae Variant Classification Sherloc (09022015). Collection method: clinical testing. Allele origin: germline.
Comment: This sequence change falls in intron 8 of the MET gene. It does not directly change the encoded amino acid sequence of the MET protein. It affects a nucleotide within the consensus splice site. This variant is not present in population databases (gnomAD no frequency). This variant has not been reported in the literature in individuals affected with MET-related conditions. Variants that disrupt the consensus splice site are a relatively common cause of aberrant splicing (PMID: 17576681, 9536098). Algorithms developed to predict the effect of sequence changes on RNA splicing suggest that this variant is not likely to affect RNA splicing. In summary, the available evidence is currently insufficient to determine the role of this variant in disease. Therefore, it has been classified as a Variant of Uncertain Significance.

Literature cited by the submitters: PubMed 17576681; PubMed 9536098.